The following is an entry in ClinVar:

NM_003966.3(SEMA5A):c.1541C>T (p.Thr514Ile)

Gene: SEMA5A (semaphorin 5A; minus strand). Cytogenetic location: 5p15.31.
Variant type: single nucleotide variant.
Coding change: c.1541C>T on transcript NM_003966.3 (MANE Select); coding-DNA position 1541, C replaced by T.
Protein change: p.Thr514Ile; replaces threonine 514 with isoleucine.
Molecular consequence: missense variant.
Genome position (GRCh38, 1-based): chr5:9,136,562, G>A on the plus strand (C>T on the coding strand, the complement: SEMA5A is on the minus strand). VCF-style: chr5-9136562-G-A. GRCh37 (hg19) VCF-style: chr5-9136674-G-A.
Other names: short protein forms T514I.
Identifiers: ClinVar variation 2637179 (VCV002637179.1), dbSNP rs2477845372, ClinGen allele CA359175116.

ClinVar aggregate classification (germline): Uncertain significance (1 of 4 stars; one submission).

Conditions:
SEMA5A-related disorder. Also called: SEMA5A-related condition.

Allele frequency attached by ClinVar (database versions not stated): gnomAD exomes below 0.00001.

Submission:

PreventionGenetics, part of Exact Sciences
Classification: Uncertain significance for SEMA5A-related condition. Last evaluated: 2022-09-08. Review status: criteria provided, single submitter. Criteria: ACMG Guidelines, 2015. Collection method: clinical testing. Allele origin: germline.
Comment: The SEMA5A c.1541C>T variant is predicted to result in the amino acid substitution p.Thr514Ile. To our knowledge, this variant has not been reported in the literature or in a large population database, indicating this variant is rare. At this time, the clinical significance of this variant is uncertain due to the absence of conclusive functional and genetic evidence.